The following is an entry in ClinVar:

NM_000277.3(PAH):c.-81C>T

Gene: PAH (phenylalanine hydroxylase; minus strand). Cytogenetic location: 12q23.2.
Variant type: single nucleotide variant.
Coding change: c.-81C>T on transcript NM_000277.3 (MANE Select); 81 bases upstream of the start codon, C replaced by T.
Molecular consequence: 5 prime UTR variant.
Genome position (GRCh38, 1-based): chr12:102,917,211, G>A on the plus strand (C>T on the coding strand, the complement: PAH is on the minus strand). VCF-style: chr12-102917211-G-A. GRCh37 (hg19) VCF-style: chr12-103310989-G-A.
Other names: c.-81C>T (NM_001354304.2).
Identifiers: ClinVar variation 306916 (VCV000306916.10), dbSNP rs7954004, ClinGen allele CA10639987.
Genomic context (GRCh38, chr12:102,917,211, plus strand): 5'-GTCTCTGGCTTTTTAGGGCCTCAGGTACAGGCAGGTTTGCAAACAGCACGTGGGGCTGAA[G>A]GTTTTAACCTCGCACTAGGGAGGAGAAGAGAGTTACAAAGGGTGTCTCTTGCGTGGTGCA-3'

ClinVar aggregate classification (germline): Benign. Review status: criteria provided, multiple submitters, no conflicts (2 of 4 stars). 4 submissions from 4 submitters: Benign (4). Last evaluated 2021-07-01.

Conditions:
Phenylketonuria (PKU). Also called: FOLLING DISEASE; OLIGOPHRENIA PHENYLPYRUVICA; Phenylketonuria (PKU); Phenylketonurias. Identifiers: Orphanet 716, MedGen C0031485, MONDO:0009861, OMIM 261600. Disease mechanism: loss of function.

Allele frequency attached by ClinVar (database versions not stated): 1000 Genomes Project 0.02835; TOPMed 0.03011; gnomAD 0.02852 and 0.02761; 1000 Genomes Project 30x 0.02920.
gnomAD v4.1: 18,194 of 1,221,718 alleles (1.5%); highest among the groups gnomAD compares: African/African-American, 7%; 312 homozygotes.

Submissions (4):

Pars Genome Lab
Classification: Benign for Phenylketonuria. Last evaluated: 2021-07-01. Review status: criteria provided, single submitter. Criteria: ACMG Guidelines, 2015. Collection method: clinical testing. Allele origin: germline. Affected: no.

Illumina Laboratory Services, Illumina
Classification: Benign for Phenylketonuria. Last evaluated: 2018-01-13. Review status: criteria provided, single submitter. Criteria: ICSL Variant Classification Criteria 13 December 2019. Collection method: clinical testing. Allele origin: germline.
Comment: This variant was observed in the ICSL laboratory as part of a predisposition screen in an ostensibly healthy population. It had not been previously curated by ICSL or reported in the Human Gene Mutation Database (HGMD: prior to June 1st, 2018), and was therefore a candidate for classification through an automated scoring system. Utilizing variant allele frequency, disease prevalence and penetrance estimates, and inheritance mode, an automated score was calculated to assess if this variant is too frequent to cause the disease. Based on the score and internal cut-off values, a variant classified as benign is not then subjected to further curation. The score for this variant resulted in a classification of benign for this disease.

GeneDx
Classification: Benign. Last evaluated: 2015-03-03. Review status: criteria provided, single submitter. Criteria: GeneDx Variant Classification Process June 2021. Collection method: clinical testing. Allele origin: germline. Affected: yes.

Breakthrough Genomics
Classification: Benign. Review status: criteria provided, single submitter. Criteria: ACMG Guidelines, 2015. Collection method: not provided. Allele origin: germline. Inheritance: Autosomal recessive inheritance. Affected: yes.